The following is an entry in ClinVar:

ClinVar aggregate classification (germline): Uncertain significance (1 of 4 stars; one submission).

Conditions:
Carnitine palmitoyl transferase 1A deficiency. Also called: Carnitine palmitoyltransferase 1A deficiency; Carnitine palmitoyltransferase type I deficiency; CPT I DEFICIENCY; CPT DEFICIENCY, HEPATIC, TYPE I; CPT deficiency, hepatic, type IA. Identifiers: Orphanet 156, MedGen C1829703, MONDO:0009705, OMIM 255120.

Allele frequency attached by ClinVar (database versions not stated): gnomAD exomes below 0.00001; gnomAD 0.00001; TOPMed 0.00001.

Submission:

Labcorp Genetics (formerly Invitae), Labcorp
Classification: Uncertain significance for Carnitine palmitoyl transferase 1A deficiency. Last evaluated: 2022-04-07. Review status: criteria provided, single submitter. Criteria: Invitae Variant Classification Sherloc (09022015). Collection method: clinical testing. Allele origin: germline.
Comment: In summary, the available evidence is currently insufficient to determine the role of this variant in disease. Therefore, it has been classified as a Variant of Uncertain Significance. Algorithms developed to predict the effect of missense changes on protein structure and function are either unavailable or do not agree on the potential impact of this missense change (SIFT: "Deleterious"; PolyPhen-2: "Benign"; Align-GVGD: "Class C0"). This variant has not been reported in the literature in individuals affected with CPT1A-related conditions. This variant is not present in population databases (gnomAD no frequency). This sequence change replaces glutamic acid, which is acidic and polar, with glycine, which is neutral and non-polar, at codon 700 of the CPT1A protein (p.Glu700Gly).

NM_001876.4(CPT1A):c.2099A>G (p.Glu700Gly)

Gene: CPT1A (carnitine palmitoyltransferase 1A; minus strand). Cytogenetic location: 11q13.3.
Variant type: single nucleotide variant.
Coding change: c.2099A>G on transcript NM_001876.4 (MANE Select); coding-DNA position 2099, A replaced by G.
Protein change: p.Glu700Gly; replaces glutamic acid 700 with glycine.
Molecular consequence: missense variant.
Genome position (GRCh38, 1-based): chr11:68,760,268, T>C on the plus strand (A>G on the coding strand, the complement: CPT1A is on the minus strand). VCF-style: chr11-68760268-T-C. GRCh37 (hg19) VCF-style: chr11-68527736-T-C.
Other names: c.2099A>G, p.Glu700Gly (NM_001031847.3); short protein forms E700G.
Identifiers: ClinVar variation 2193364 (VCV002193364.4), dbSNP rs1946779593, ClinGen allele CA381625833.